The following is an entry in ClinVar:

ClinVar aggregate classification (germline): Uncertain significance. Review status: criteria provided, multiple submitters, no conflicts (2 of 4 stars). 2 submissions from 2 submitters: Uncertain significance (2). Last evaluated 2024-12-02.

Conditions:
Inborn genetic diseases. Identifiers: MedGen C0950123, MeSH D030342.
Symmetrical dyschromatosis of extremities (DSH). Also called: DYSCHROMATOSIS SYMMETRICA HEREDITARIA 1; RETICULATE ACROPIGMENTATION OF DOHI; SYMMETRIC DYSCHROMATOSIS OF THE EXTREMITIES; Dyschromatosis symmetrica hereditaria. Identifiers: Orphanet 41, MedGen C0406775, MONDO:0007483, OMIM 127400.
Aicardi-Goutieres syndrome 6 (AGS6). Identifiers: Orphanet 51, MedGen C3539013, MONDO:0014007, OMIM 615010.

Allele frequency attached by ClinVar (database versions not stated): TOPMed below 0.00001; gnomAD 0.00001.
gnomAD v4.1: 4 of 1,614,108 alleles (0.00025%); highest among the groups gnomAD compares: African/African-American, 0.0013%; no homozygotes.

Submissions (2):

Labcorp Genetics (formerly Invitae), Labcorp
Classification: Uncertain significance for Aicardi-Goutieres syndrome 6; Symmetrical dyschromatosis of extremities. Last evaluated: 2024-12-02. Review status: criteria provided, single submitter. Criteria: Invitae Variant Classification Sherloc (09022015). Collection method: clinical testing. Allele origin: germline.
Comment: This sequence change replaces proline, which is neutral and non-polar, with alanine, which is neutral and non-polar, at codon 434 of the ADAR protein (p.Pro434Ala). This variant is present in population databases (rs749677748, gnomAD 0.004%). This variant has not been reported in the literature in individuals affected with ADAR-related conditions. ClinVar contains an entry for this variant (Variation ID: 2170446). Invitae Evidence Modeling of protein sequence and biophysical properties (such as structural, functional, and spatial information, amino acid conservation, physicochemical variation, residue mobility, and thermodynamic stability) indicates that this missense variant is not expected to disrupt ADAR protein function with a negative predictive value of 80%. In summary, the available evidence is currently insufficient to determine the role of this variant in disease. Therefore, it has been classified as a Variant of Uncertain Significance.

Ambry Genetics
Classification: Uncertain significance for Inborn genetic diseases. Last evaluated: 2024-02-13. Review status: criteria provided, single submitter. Criteria: Ambry Variant Classification Scheme 2023. Collection method: clinical testing. Allele origin: germline.

NM_001111.5(ADAR):c.1300C>G (p.Pro434Ala)

Gene: ADAR (adenosine deaminase RNA specific; minus strand). Cytogenetic location: 1q21.3.
Variant type: single nucleotide variant.
Coding change: c.1300C>G on transcript NM_001111.5 (MANE Select); coding-DNA position 1300, C replaced by G.
Protein change: p.Pro434Ala; replaces proline 434 with alanine.
Molecular consequence: missense variant.
Genome position (GRCh38, 1-based): chr1:154,601,342, G>C on the plus strand (C>G on the coding strand, the complement: ADAR is on the minus strand). VCF-style: chr1-154601342-G-C. GRCh37 (hg19) VCF-style: chr1-154573818-G-C.
Other names: c.415C>G, p.Pro139Ala (NM_001025107.3, NM_001193495.2, NM_001365046.1 and 3 more transcripts); c.1327C>G, p.Pro443Ala (NM_001365045.1); c.1300C>G, p.Pro434Ala (NM_015840.4, NM_015841.4); c.1300C>G (NM_001111.4); short protein forms P434A, P139A, P443A.
Identifiers: ClinVar variation 2170446 (VCV002170446.5), dbSNP rs749677748, ClinGen allele CA1131564.